The following is an entry in ClinVar:

ClinVar aggregate classification (germline): Uncertain significance. Review status: criteria provided, multiple submitters, no conflicts (2 of 4 stars). 2 submissions from 2 submitters: Uncertain significance (2). Last evaluated 2025-07-18.

Conditions:
Birt-Hogg-Dube syndrome. Also called: Birt Hogg Dubé syndrome. Identifiers: Orphanet 122, MedGen C0346010, MONDO:0800444.
Hereditary cancer-predisposing syndrome. Also called: Hereditary neoplastic syndrome; Tumor predisposition; Neoplastic Syndromes, Hereditary; Hereditary Cancer Syndrome. Identifiers: Orphanet 140162, MedGen C0027672, MeSH D009386, MONDO:0015356.

Allele frequency attached by ClinVar (database versions not stated): gnomAD exomes below 0.00001; TOPMed below 0.00001; 1000 Genomes Project 0.00020; 1000 Genomes Project 30x 0.00031; ExAC 0.00001; gnomAD 0.00001.
gnomAD v4.1: 2 of 1,613,422 alleles (0.00012%); highest among the groups gnomAD compares: African/African-American, 0.0027%; no homozygotes.

Submissions (2):

Ambry Genetics
Classification: Uncertain significance for Hereditary cancer-predisposing syndrome. Last evaluated: 2025-07-18. Review status: criteria provided, single submitter. Criteria: Ambry Variant Classification Scheme 2023. Collection method: clinical testing. Allele origin: germline.
Comment: The p.P359S variant (also known as c.1075C>T), located in coding exon 7 of the FLCN gene, results from a C to T substitution at nucleotide position 1075. The proline at codon 359 is replaced by serine, an amino acid with similar properties. This amino acid position is not well conserved in available vertebrate species. In addition, this alteration is predicted to be tolerated by in silico analysis. Since supporting evidence is limited at this time, the clinical significance of this alteration remains unclear.

Labcorp Genetics (formerly Invitae), Labcorp
Classification: Uncertain significance for Birt-Hogg-Dube syndrome. Last evaluated: 2025-06-08. Review status: criteria provided, single submitter. Criteria: Invitae Variant Classification Sherloc (09022015). Collection method: clinical testing. Allele origin: germline.
Comment: This sequence change replaces proline, which is neutral and non-polar, with serine, which is neutral and polar, at codon 359 of the FLCN protein (p.Pro359Ser). This variant is present in population databases (rs184718358, gnomAD 0.007%). This variant has not been reported in the literature in individuals affected with FLCN-related conditions. ClinVar contains an entry for this variant (Variation ID: 950568). Invitae Evidence Modeling of protein sequence and biophysical properties (such as structural, functional, and spatial information, amino acid conservation, physicochemical variation, residue mobility, and thermodynamic stability) indicates that this missense variant is not expected to disrupt FLCN protein function with a negative predictive value of 80%. In summary, the available evidence is currently insufficient to determine the role of this variant in disease. Therefore, it has been classified as a Variant of Uncertain Significance.

NM_144997.7(FLCN):c.1075C>T (p.Pro359Ser)

Gene: FLCN (folliculin; minus strand). Cytogenetic location: 17p11.2.
Variant type: single nucleotide variant.
Coding change: c.1075C>T on transcript NM_144997.7 (MANE Select); coding-DNA position 1075, C replaced by T.
Protein change: p.Pro359Ser; replaces proline 359 with serine.
Molecular consequence: missense variant.
Genome position (GRCh38, 1-based): chr17:17,217,170, G>A on the plus strand (C>T on the coding strand, the complement: FLCN is on the minus strand). VCF-style: chr17-17217170-G-A. GRCh37 (hg19) VCF-style: chr17-17120484-G-A.
Other names: c.1129C>T, p.Pro377Ser (NM_001353229.2); c.1075C>T, p.Pro359Ser (NM_001353230.2, NM_001353231.2); short protein forms P359S, P377S.
Identifiers: ClinVar variation 950568 (VCV000950568.9), dbSNP rs184718358, ClinGen allele CA8416142.